The following is an entry in ClinVar:

NM_213655.5(WNK1):c.3347C>A (p.Thr1116Asn)

Gene: WNK1 (WNK lysine deficient protein kinase 1; plus strand). Cytogenetic location: 12p13.33.
Variant type: single nucleotide variant.
Coding change: c.3347C>A on transcript NM_213655.5 (MANE Plus Clinical); coding-DNA position 3347, C replaced by A.
Protein change: p.Thr1116Asn; replaces threonine 1116 with asparagine.
Molecular consequence: missense variant. On other transcripts: intron variant (2).
Genome position (GRCh38, 1-based): chr12:868,818, C>A. VCF-style: chr12-868818-C-A. GRCh37 (hg19) VCF-style: chr12-977984-C-A.
Other names: c.3092C>A (NM_001184985.1); c.3092C>A, p.Thr1031Asn (NM_001184985.2); c.2140-2447C>A (NM_018979.4, NM_014823.3); short protein forms T1031N, T1116N.
Identifiers: ClinVar variation 849279 (VCV000849279.12), dbSNP rs370339079, ClinGen allele CA6382337.

ClinVar aggregate classification (germline): Uncertain significance. Review status: criteria provided, multiple submitters, no conflicts (2 of 4 stars). 3 submissions from 3 submitters: Uncertain significance (3). Last evaluated 2026-01-20.

Conditions:
WNK1-related disorder. Also called: WNK1-related condition.
Pseudohypoaldosteronism type 2C (PHA2C). Also called: Pseudohypoaldosteronism Type IIC. Identifiers: Orphanet 757, Orphanet 88940, MedGen C1840391, MONDO:0013778, OMIM 614492.
Neuropathy, hereditary sensory and autonomic, type 2A (HSAN2A). Also called: ACROOSTEOLYSIS, GIACCAI TYPE; ACROOSTEOLYSIS, NEUROGENIC; MORVAN DISEASE; WNK1-Related HSAN2 (HSAN2A); NEUROPATHY, CONGENITAL SENSORY; NEUROPATHY, HEREDITARY SENSORY RADICULAR, AUTOSOMAL RECESSIVE. Identifiers: Orphanet 970, MedGen C2752089, MONDO:0024309, OMIM 201300.
Inborn genetic diseases. Identifiers: MedGen C0950123, MeSH D030342.

Allele frequency attached by ClinVar (database versions not stated): ExAC 0.00001; gnomAD 0.00001; gnomAD exomes 0.00001; TOPMed 0.00004; ESP Exome Variant Server 0.00008.
gnomAD v4.1: 16 of 1,613,928 alleles (0.00099%); highest among the groups gnomAD compares: Non-Finnish European, 0.0014%; no homozygotes.

Submissions (3):

Labcorp Genetics (formerly Invitae), Labcorp
Classification: Uncertain significance for Neuropathy, hereditary sensory and autonomic, type 2A; Pseudohypoaldosteronism type 2C. Last evaluated: 2026-01-20. Review status: criteria provided, single submitter. Criteria: Invitae Variant Classification Sherloc (09022015). Collection method: clinical testing. Allele origin: germline.
Comment: This sequence change replaces threonine, which is neutral and polar, with asparagine, which is neutral and polar, at codon 1116 of the WNK1 protein (p.Thr1116Asn). This variant is present in population databases (rs370339079, gnomAD 0.003%). This variant has not been reported in the literature in individuals affected with WNK1-related conditions. ClinVar contains an entry for this variant (Variation ID: 849279). Invitae Evidence Modeling of protein sequence and biophysical properties (such as structural, functional, and spatial information, amino acid conservation, physicochemical variation, residue mobility, and thermodynamic stability) indicates that this missense variant is not expected to disrupt WNK1 protein function with a negative predictive value of 95%. In summary, the available evidence is currently insufficient to determine the role of this variant in disease. Therefore, it has been classified as a Variant of Uncertain Significance.

PreventionGenetics, part of Exact Sciences
Classification: Uncertain significance for WNK1-related condition. Last evaluated: 2025-11-12. Review status: criteria provided, single submitter. Criteria: ACMG Guidelines, 2015. Collection method: clinical testing. Allele origin: germline.
Comment: The WNK1 c.3092C>A variant is predicted to result in the amino acid substitution p.Thr1031Asn. To our knowledge, this variant has not been reported in the literature. This variant is reported in 0.0027% of alleles in individuals of European (non-Finnish) descent in gnomAD. At this time, the clinical significance of this variant is uncertain due to the absence of conclusive functional and genetic evidence.

Ambry Genetics
Classification: Uncertain significance for Inborn genetic diseases. Last evaluated: 2022-03-04. Review status: criteria provided, single submitter. Criteria: Ambry Variant Classification Scheme 2023. Collection method: clinical testing. Allele origin: germline.
Comment: The p.T1116N variant (also known as c.3347C>A), located in coding exon 10 of the WNK1 gene, results from a C to A substitution at nucleotide position 3347. The threonine at codon 1116 is replaced by asparagine, an amino acid with similar properties. This amino acid position is not well conserved in available vertebrate species. In addition, this alteration is predicted to be tolerated by in silico analysis. Since supporting evidence is limited at this time, the clinical significance of this alteration remains unclear.